The following is an entry in ClinVar:

NM_000183.3(HADHB):c.631-1G>A

Gene: HADHB (hydroxyacyl-CoA dehydrogenase trifunctional multienzyme complex subunit beta; plus strand). Cytogenetic location: 2p23.3.
Variant type: single nucleotide variant.
Coding change: c.631-1G>A on transcript NM_000183.3 (MANE Select); the canonical splice acceptor site of the intron before coding-DNA position 631, G replaced by A.
Molecular consequence: splice acceptor variant.
Genome position (GRCh38, 1-based): chr2:26,279,134, G>A. VCF-style: chr2-26279134-G-A. GRCh37 (hg19) VCF-style: chr2-26502002-G-A.
Other names: c.565-1G>A (NM_001281513.2); c.586-1G>A (NM_001281512.2).
Identifiers: ClinVar variation 2675989 (VCV002675989.6), dbSNP rs1553322031, ClinGen allele CA312595.

ClinVar aggregate classification (germline): Pathogenic/Likely pathogenic. Review status: criteria provided, multiple submitters, no conflicts (2 of 4 stars). 4 submissions from 4 submitters: Pathogenic (3); Likely pathogenic (1). Last evaluated 2025-12-30.

Conditions:
HADHB-related disorders.
Mitochondrial trifunctional protein deficiency. Identifiers: Orphanet 746, MedGen C1969443, MONDO:0012172.
Mitochondrial trifunctional protein deficiency 2 (MTPD2). Identifiers: MedGen C5830374, MONDO:0958185, OMIM 620300.
Mitochondrial trifunctional protein deficiency 1 (MTPD1). Identifiers: MedGen CN376812, MONDO:0958181, OMIM 609015.

gnomAD v4.1: 1 of 1,612,470 alleles (0.000062%); highest among the groups gnomAD compares: Middle Eastern, 0.017%; no homozygotes.

Submissions (4):

Labcorp Genetics (formerly Invitae), Labcorp
Classification: Pathogenic for Mitochondrial trifunctional protein deficiency. Last evaluated: 2025-12-30. Review status: criteria provided, single submitter. Criteria: Invitae Variant Classification Sherloc (09022015). Collection method: clinical testing. Allele origin: germline.
Comment: This sequence change affects an acceptor splice site in intron 8 of the HADHB gene. It is expected to disrupt RNA splicing. Variants that disrupt the donor or acceptor splice site typically lead to a loss of protein function (PMID: 16199547), and loss-of-function variants in HADHB are known to be pathogenic (PMID: 9259266, 12754706). This variant is not present in population databases (gnomAD no frequency). Disruption of this splice site has been observed in individual(s) with mitochondrial trifunctional protein deficiency (PMID: 27848944, 35383965). ClinVar contains an entry for this variant (Variation ID: 2675989). Algorithms developed to predict the effect of sequence changes on RNA splicing suggest that this variant may disrupt the consensus splice site. For these reasons, this variant has been classified as Pathogenic.

Genomic Medicine Center of Excellence, King Faisal Specialist Hospital and Research Centre
Classification: Likely pathogenic for Mitochondrial trifunctional protein deficiency 2. Last evaluated: 2024-03-17. Review status: criteria provided, single submitter. Criteria: ACMG Guidelines, 2015. Collection method: research. Allele origin: germline.

Baylor Genetics
Classification: Pathogenic for Mitochondrial trifunctional protein deficiency 1. Last evaluated: 2024-02-10. Review status: criteria provided, single submitter. Criteria: ACMG Guidelines, 2015. Collection method: clinical testing. Allele origin: unknown.

Blueprint Genetics
Classification: Pathogenic for HADHB-related disorders. Last evaluated: 2023-07-11. Review status: criteria provided, single submitter. Criteria: ACMG Guidelines, 2015. Collection method: clinical testing. Allele origin: germline. Affected: yes. Observed: 4 variant alleles.

Literature cited by the submitters: PubMed 16199547 (cited by Labcorp Genetics (formerly Invitae), Labcorp); PubMed 9259266 (cited by Labcorp Genetics (formerly Invitae), Labcorp); PubMed 12754706 (cited by Labcorp Genetics (formerly Invitae), Labcorp); PubMed 27848944 (cited by Labcorp Genetics (formerly Invitae), Labcorp); PubMed 35383965 (cited by Labcorp Genetics (formerly Invitae), Labcorp).